The following is an entry in ClinVar:

NM_004415.4(DSP):c.3746T>C (p.Leu1249Pro)

Gene: DSP (desmoplakin; plus strand). Cytogenetic location: 6p24.3.
Variant type: single nucleotide variant.
Coding change: c.3746T>C on transcript NM_004415.4 (MANE Select); coding-DNA position 3746, T replaced by C.
Protein change: p.Leu1249Pro; replaces leucine 1249 with proline.
Molecular consequence: missense variant. On other transcripts: intron variant (1).
Genome position (GRCh38, 1-based): chr6:7,579,936, T>C. VCF-style: chr6-7579936-T-C. GRCh37 (hg19) VCF-style: chr6-7580169-T-C.
Other names: c.3746T>C, p.Leu1249Pro (NM_001319034.2); c.3582+164T>C (NM_001008844.3); short protein forms L1249P.
Identifiers: ClinVar variation 3070119 (VCV003070119.2), dbSNP rs2533925620, ClinGen allele CA362684768.

ClinVar aggregate classification (germline): Uncertain significance. Review status: criteria provided, multiple submitters, no conflicts (2 of 4 stars). 2 submissions from 2 submitters: Uncertain significance (2). Last evaluated 2025-06-30.

Conditions:
Cardiomyopathy (CMYO). Also called: Cardiomyopathies. Identifiers: Orphanet 167848, MedGen C0878544, MONDO:0004994, HP:0001638. Inheritance: Various modes of inheritance.
Arrhythmogenic cardiomyopathy with wooly hair and keratoderma. Also called: Carvajal syndrome; PALMOPLANTAR KERATODERMA WITH LEFT VENTRICULAR CARDIOMYOPATHY AND WOOLLY HAIR; Dilated cardiomyopathy with woolly hair and keratoderma; Arrhythmogenic cardiomyopathy with woolly hair and keratoderma. Identifiers: Orphanet 65282, MedGen C1854063, MONDO:0011581, OMIM 605676.

Allele frequency attached by ClinVar (database versions not stated): gnomAD exomes below 0.00001.
gnomAD v4.1: 1 of 1,614,096 alleles (0.000062%); highest among the groups gnomAD compares: Non-Finnish European, 0.000085%; no homozygotes.

Submissions (2):

Color Diagnostics, LLC DBA Color Health
Classification: Uncertain significance for Cardiomyopathy. Last evaluated: 2025-06-30. Review status: criteria provided, single submitter. Criteria: ACMG Guidelines, 2015. Collection method: clinical testing. Allele origin: germline.
Comment: This missense variant replaces leucine with proline at codon 1249 of the DSP protein. Computational prediction suggests that this variant may have deleterious impact on protein structure and function. To our knowledge, functional studies have not been reported for this variant. This variant has not been reported in individuals affected with DSP-related disorders in the literature. This variant has not been identified in the general population by the Genome Aggregation Database (gnomAD). The available evidence is insufficient to determine the role of this variant in disease conclusively. Therefore, this variant is classified as a Variant of Uncertain Significance.

All of Us Research Program, National Institutes of Health
Classification: Uncertain significance for Arrhythmogenic cardiomyopathy with wooly hair and keratoderma. Last evaluated: 2023-04-03. Review status: criteria provided, single submitter. Criteria: ACMG Guidelines, 2015. Collection method: clinical testing. Allele origin: germline. Inheritance: Autosomal dominant inheritance. Observed: 1 variant allele, 1 heterozygote.
Comment: This missense variant replaces leucine with proline at codon 1249 of the DSP protein. Computational prediction suggests that this variant may have deleterious impact on protein structure and function (internally defined REVEL score threshold >= 0.7, PMID: 27666373). To our knowledge, functional studies have not been reported for this variant. This variant has not been reported in individuals affected with DSP-related disorders in the literature. This variant has not been identified in the general population by the Genome Aggregation Database (gnomAD). The available evidence is insufficient to determine the role of this variant in disease conclusively. Therefore, this variant is classified as a Variant of Uncertain Significance.

This study involves interpretation of variants in research participants for the purpose of population health screening. Participant phenotype was not available at the time of variant classification. Additional details can be found in publication PMID: 35346344, PMCID: PMC8962531